The following is an entry in ClinVar:

ClinVar aggregate classification (germline): Conflicting classifications of pathogenicity. Review status: criteria provided, conflicting classifications (1 of 4 stars). 3 submissions from 3 submitters: Uncertain significance (1); Likely benign (1). 1 of the submissions does not count toward it. Last evaluated 2025-10-01.

Conditions:
CACNA1H-related disorder.
Idiopathic generalized epilepsy. Also called: Generalised epilepsy; EIG. Identifiers: MedGen C0270850, MONDO:0005579, OMIM 600669.
Hyperaldosteronism, familial, type IV (HALD4). Also called: FH IV; ALDOSTERONISM, PRIMARY, AND HYPERTENSION. Identifiers: Orphanet 642671, MedGen C4310756, MONDO:0014875, OMIM 617027.
Epilepsy, childhood absence, susceptibility to, 6. Identifiers: Orphanet 64280, MedGen C2749872, MONDO:0012763, OMIM 611942.

gnomAD v4.1: 39 of 1,611,766 alleles (0.0024%); highest among the groups gnomAD compares: Non-Finnish European, 0.0029%; no homozygotes.

Submissions (3):

Labcorp Genetics (formerly Invitae), Labcorp
Classification: Likely benign for Idiopathic generalized epilepsy; Hyperaldosteronism, familial, type IV. Last evaluated: 2025-10-01. Review status: criteria provided, single submitter. Criteria: Invitae Variant Classification Sherloc (09022015). Collection method: clinical testing. Allele origin: germline.

Fulgent Genetics
Classification: Uncertain significance for Epilepsy, childhood absence, susceptibility to, 6; Hyperaldosteronism, familial, type IV. Last evaluated: 2021-09-27. Review status: criteria provided, single submitter. Criteria: ACMG Guidelines, 2015. Collection method: clinical testing. Allele origin: unknown.

PreventionGenetics, part of Exact Sciences
Classification: Likely benign for CACNA1H-related condition. Last evaluated: 2023-10-31. Review status: no assertion criteria provided. Collection method: clinical testing. Allele origin: germline. Not counted in ClinVar's aggregate classification.
Comment: This variant is classified as likely benign based on ACMG/AMP sequence variant interpretation guidelines (Richards et al. 2015 PMID: 25741868, with internal and published modifications).

NM_021098.3(CACNA1H):c.5217G>A (p.Leu1739=)

Gene: CACNA1H (calcium voltage-gated channel subunit alpha1 H; plus strand). Cytogenetic location: 16p13.3.
Variant type: single nucleotide variant.
Coding change: c.5217G>A on transcript NM_021098.3 (MANE Select); coding-DNA position 5217, G replaced by A.
Protein change: p.Leu1739=; no amino-acid change (leucine 1739 retained).
Molecular consequence: synonymous variant.
Genome position (GRCh38, 1-based): chr16:1,215,566, G>A. VCF-style: chr16-1215566-G-A. GRCh37 (hg19) VCF-style: chr16-1265566-G-A.
Other names: c.5217G>A (NM_021098.2); c.5199G>A, p.Leu1733= (NM_001005407.2).
Identifiers: ClinVar variation 1063488 (VCV001063488.12), dbSNP rs370996432, ClinGen allele CA493021342.